The following is an entry in ClinVar:

NM_024675.4(PALB2):c.1879G>C (p.Val627Leu)

Gene: PALB2 (partner and localizer of BRCA2; minus strand). Cytogenetic location: 16p12.2.
Variant type: single nucleotide variant.
Coding change: c.1879G>C on transcript NM_024675.4 (MANE Select); coding-DNA position 1879, G replaced by C.
Protein change: p.Val627Leu; replaces valine 627 with leucine.
Molecular consequence: missense variant.
Genome position (GRCh38, 1-based): chr16:23,630,275, C>G on the plus strand (G>C on the coding strand, the complement: PALB2 is on the minus strand). VCF-style: chr16-23630275-C-G. GRCh37 (hg19) VCF-style: chr16-23641596-C-G.
Other names: c.1819G>C, p.Val607Leu (NM_001407296.1); c.1879G>C, p.Val627Leu (NM_001407297.1, NM_001407298.1, NM_001407299.1 and 3 more transcripts); c.994G>C, p.Val332Leu (NM_001407304.1, NM_001407305.1, NM_001407306.1 and 5 more transcripts); c.91G>C, p.Val31Leu (NM_001407312.1, NM_001407313.1); short protein forms V31L, V607L, V332L, V627L.
Identifiers: ClinVar variation 1781847 (VCV001781847.5), dbSNP rs1567218614, ClinGen allele CA395127657.
Genomic context (GRCh38, chr16:23,630,275, plus strand): 5'-GTCTCTCTCCAAACATTTTTGACTCAAAGGGCTCCACTGGTTTTTCTGAGCAGGACTTCA[C>G]TTTTTCAAGCTTAAGAGGTCCAAAGTCTTCATCAGGTAACTGAAAGTCTGTGATACTGAG-3'
Protein context (NP_078951.2, residues 617-637): EDFGPLKLEK[Val627Leu]KSCSEKPVEP

ClinVar aggregate classification (germline): Conflicting classifications of pathogenicity. Review status: criteria provided, conflicting classifications (1 of 4 stars). 2 submissions from 2 submitters: Uncertain significance (1); Likely benign (1). Last evaluated 2023-07-09.

Conditions:
Hereditary cancer-predisposing syndrome. Also called: Neoplastic Syndromes, Hereditary; Tumor predisposition; Hereditary Cancer Syndrome; Hereditary neoplastic syndrome. Identifiers: Orphanet 140162, MedGen C0027672, MeSH D009386, MONDO:0015356.
Familial cancer of breast. Also called: BREAST CANCER, FAMILIAL; Hereditary breast cancer; hereditary breast carcinoma. Identifiers: Orphanet 227535, MedGen C0346153, MONDO:0016419, OMIM 114480. Disease mechanism: loss of function.

Allele frequency attached by ClinVar (database versions not stated): gnomAD exomes below 0.00001.
gnomAD v4.1: 1 of 1,614,126 alleles (0.000062%); highest among the groups gnomAD compares: Non-Finnish European, 0.000085%; no homozygotes.

Submissions (2):

Labcorp Genetics (formerly Invitae), Labcorp
Classification: Uncertain significance for Familial cancer of breast. Last evaluated: 2023-07-09. Review status: criteria provided, single submitter. Criteria: Invitae Variant Classification Sherloc (09022015). Collection method: clinical testing. Allele origin: germline.
Comment: Advanced modeling of protein sequence and biophysical properties (such as structural, functional, and spatial information, amino acid conservation, physicochemical variation, residue mobility, and thermodynamic stability) performed at Invitae indicates that this missense variant is not expected to disrupt PALB2 protein function. ClinVar contains an entry for this variant (Variation ID: 1781847). This variant has not been reported in the literature in individuals affected with PALB2-related conditions. This variant is not present in population databases (gnomAD no frequency). This sequence change replaces valine, which is neutral and non-polar, with leucine, which is neutral and non-polar, at codon 627 of the PALB2 protein (p.Val627Leu). In summary, the available evidence is currently insufficient to determine the role of this variant in disease. Therefore, it has been classified as a Variant of Uncertain Significance.

Ambry Genetics
Classification: Likely benign for Hereditary cancer-predisposing syndrome. Last evaluated: 2022-03-02. Review status: criteria provided, single submitter. Criteria: Ambry Variant Classification Scheme 2023. Collection method: clinical testing. Allele origin: germline.